The following is an entry in ClinVar:

ClinVar aggregate classification (germline): Uncertain significance (1 of 4 stars; one submission).

Conditions:
Duchenne muscular dystrophy (DMD). Also called: MUSCULAR DYSTROPHY, PSEUDOHYPERTROPHIC PROGRESSIVE, DUCHENNE TYPE; Duchenne Muscular Dystrophy (DMD). Identifiers: Orphanet 98896, MedGen C0013264, MONDO:0010679, OMIM 310200.

Submission:

Labcorp Genetics (formerly Invitae), Labcorp
Classification: Uncertain significance for Duchenne muscular dystrophy. Last evaluated: 2022-10-13. Review status: criteria provided, single submitter. Criteria: Invitae Variant Classification Sherloc (09022015). Collection method: clinical testing. Allele origin: germline.
Comment: This sequence change replaces valine, which is neutral and non-polar, with aspartic acid, which is acidic and polar, at codon 3035 of the DMD protein (p.Val3035Asp). This variant is not present in population databases (gnomAD no frequency). This variant has not been reported in the literature in individuals affected with DMD-related conditions. ClinVar contains an entry for this variant (Variation ID: 655381). Advanced modeling of protein sequence and biophysical properties (such as structural, functional, and spatial information, amino acid conservation, physicochemical variation, residue mobility, and thermodynamic stability) performed at Invitae indicates that this missense variant is not expected to disrupt DMD protein function. In summary, the available evidence is currently insufficient to determine the role of this variant in disease. Therefore, it has been classified as a Variant of Uncertain Significance.

NM_004006.3(DMD):c.9104T>A (p.Val3035Asp)

Gene: DMD (dystrophin; minus strand). Cytogenetic location: Xp21.2.
Variant type: single nucleotide variant.
Coding change: c.9104T>A on transcript NM_004006.3 (MANE Select); coding-DNA position 9104, T replaced by A.
Protein change: p.Val3035Asp; replaces valine 3035 with aspartic acid.
Molecular consequence: missense variant.
Genome position (GRCh38, 1-based): chrX:31,348,615, A>T on the plus strand (T>A on the coding strand, the complement: DMD is on the minus strand). VCF-style: chrX-31348615-A-T. GRCh37 (hg19) VCF-style: chrX-31366732-A-T.
Other names: c.9080T>A, p.Val3027Asp (NM_000109.4); c.9092T>A, p.Val3031Asp (NM_004009.3); c.8735T>A, p.Val2912Asp (NM_004010.3); c.5081T>A, p.Val1694Asp (NM_004011.4); c.5072T>A, p.Val1691Asp (NM_004012.4); c.1724T>A, p.Val575Asp (NM_004013.3, NM_004020.4, NM_004021.3 and 2 more transcripts); c.917T>A, p.Val306Asp (NM_004014.3); short protein forms V1691D, V3035D, V575D, V1694D, V3027D, V306D, V3031D, V2912D.
Identifiers: ClinVar variation 655381 (VCV000655381.9), dbSNP rs1602056237, ClinGen allele CA412653778.